The following is an entry in ClinVar:

ClinVar aggregate classification (germline): Uncertain significance (1 of 4 stars; one submission).

Conditions:
Mucopolysaccharidosis, MPS-IV-A (MPS4A). Also called: Mucopolysaccharidosis type IV A; Mucopolysaccharidosis Type IVA; Morquio syndrome A, mild; MORQUIO SYNDROME A; MPS IVA; mucopolysaccharidosis type 4A. Identifiers: Orphanet 309297, Orphanet 582, MedGen C0086651, MONDO:0009659, OMIM 253000.

Submission:

Laboratory of Diagnosis and Therapy of Lysosomal Disorders, University of Padova
Classification: Uncertain significance for Mucopolysaccharidosis, MPS-IV-A. Last evaluated: 2021-02-01. Review status: criteria provided, single submitter. Criteria: ACMG Guidelines, 2015. Collection method: curation. Allele origin: germline. Affected: yes.
Comment: Absent from gnomAD v2.1.1 (PM2_moderate)

Literature cited by the submitters: PubMed 34387910.

NM_000512.5(GALNS):c.-1_6delinsT (p.Met1_Ala2del)

Genes: TRAPPC2L (trafficking protein particle complex subunit 2L; plus strand), GALNS (galactosamine (N-acetyl)-6-sulfatase; minus strand), LOC130059762 (ATAC-STARR-seq lymphoblastoid silent region 7883; plus strand). Cytogenetic location: 16q24.3.
Variant type: Indel.
Coding change: c.-1_6delinsT on transcript NM_000512.5 (MANE Select); 1 bases upstream of the start codon through coding-DNA position 6, CATGGCG replaced by T.
Protein change: p.Met1_Ala2del.
Molecular consequence: inframe deletion, initiator codon variant. On other transcripts: 5 prime UTR variant (2).
Genome position (GRCh38, 1-based): chr16:88,856,872-88,856,878, CGCCATG replaced by A on the plus strand (CATGGCG replaced by T on the coding strand, the reverse complement: GALNS is on the minus strand). VCF-style: chr16-88856872-CGCCATG-A. GRCh37 (hg19) VCF-style: chr16-88923280-CGCCATG-A.
Other names: c.-432_-426delinsT (NM_001323543.2); c.-153_-147delinsT (NM_001323544.2).
Identifiers: ClinVar variation 1048176 (VCV001048176.4), dbSNP rs2143013673, ClinGen allele CA2499223756.